The following is an entry in ClinVar:

NM_025237.3(SOST):c.*178C>T

Gene: SOST (sclerostin; minus strand). Cytogenetic location: 17q21.31.
Variant type: single nucleotide variant.
Coding change: c.*178C>T on transcript NM_025237.3 (MANE Select); 178 bases downstream of the stop codon, C replaced by T.
Molecular consequence: 3 prime UTR variant.
Genome position (GRCh38, 1-based): chr17:43,755,164, G>A on the plus strand (C>T on the coding strand, the complement: SOST is on the minus strand). VCF-style: chr17-43755164-G-A. GRCh37 (hg19) VCF-style: chr17-41832532-G-A.
Identifiers: ClinVar variation 892300 (VCV000892300.4), dbSNP rs116799821, ClinGen allele CA290856659.
Genomic context (GRCh38, chr17:43,755,164, plus strand): 5'-TCAGTGTCTGTGACTCTCAATTCCCTCCCCTGCCCCGTGGGACCCCTCAGCTGGCGGGCT[G>A]AGGGGGGCCTTGCCGGCGCCCGGGATTCCTCAGGGCCTGGAAGGTCTCAGCCCCCTGCCC-3'

ClinVar aggregate classification (germline): Benign (1 of 4 stars; one submission).

Conditions:
Sclerosteosis 1 (SOST1). Also called: CORTICAL HYPEROSTOSIS WITH SYNDACTYLY. Identifiers: Orphanet 3152, MedGen C4551483, MONDO:0010016, OMIM 269500.

Allele frequency attached by ClinVar (database versions not stated): gnomAD exomes 0.00048; gnomAD 0.00645 and 0.00690; TOPMed 0.00713; 1000 Genomes Project 0.00759; 1000 Genomes Project 30x 0.00828.

Submission:

Illumina Laboratory Services, Illumina
Classification: Benign for Sclerosteosis 1. Last evaluated: 2018-01-13. Review status: criteria provided, single submitter. Criteria: ICSL Variant Classification Criteria 13 December 2019. Collection method: clinical testing. Allele origin: germline.
Comment: This variant was observed in the ICSL laboratory as part of a predisposition screen in an ostensibly healthy population. It had not been previously curated by ICSL or reported in the Human Gene Mutation Database (HGMD: prior to June 1st, 2018), and was therefore a candidate for classification through an automated scoring system. Utilizing variant allele frequency, disease prevalence and penetrance estimates, and inheritance mode, an automated score was calculated to assess if this variant is too frequent to cause the disease. Based on the score and internal cut-off values, a variant classified as benign is not then subjected to further curation. The score for this variant resulted in a classification of benign for this disease.